The following is an entry in ClinVar:

NM_015040.4(PIKFYVE):c.1945C>T (p.Arg649Ter)

Gene: PIKFYVE (phosphoinositide kinase, FYVE-type zinc finger containing; plus strand). Cytogenetic location: 2q34.
Variant type: single nucleotide variant.
Coding change: c.1945C>T on transcript NM_015040.4 (MANE Select); coding-DNA position 1945, C replaced by T.
Protein change: p.Arg649Ter; replaces arginine 649 with a stop codon.
Molecular consequence: nonsense.
Genome position (GRCh38, 1-based): chr2:208,315,311, C>T. VCF-style: chr2-208315311-C-T. GRCh37 (hg19) VCF-style: chr2-209180035-C-T.
Other names: short protein forms R649*.
Identifiers: ClinVar variation 5019907 (VCV005019907.2).

ClinVar aggregate classification (germline): Likely pathogenic (1 of 4 stars; one submission).

Conditions:
Fleck corneal dystrophy (CFD). Also called: CORNEAL DYSTROPHY, FRANCOIS-NEETENS SPECKLED OR FLECKED. Identifiers: Orphanet 98970, MedGen C1562113, MONDO:0007376, OMIM 121850.

gnomAD v4.1: 6 of 1,614,156 alleles (0.00037%); highest among the groups gnomAD compares: Non-Finnish European, 0.00042%; no homozygotes.

Submission:

Juno Genomics, Hangzhou Juno Genomics, Inc
Classification: Likely pathogenic for Fleck corneal dystrophy. Review status: criteria provided, single submitter. Criteria: ACMG Guidelines, 2015. Collection method: clinical testing. Allele origin: germline.
Comment: Absent from controls (or at extremely low frequency if recessive) in Genome Aggregation Database.;Null variant in a gene where loss of function (LOF) is a known mechanism of disease.